The following is an entry in ClinVar:

ClinVar aggregate classification (germline): Uncertain significance (1 of 4 stars; one submission).

Allele frequency attached by ClinVar (database versions not stated): gnomAD exomes 0.00002; TOPMed 0.00002; ExAC 0.00003; gnomAD 0.00004.

Submission:

CeGaT Center for Human Genetics Tuebingen
Classification: Uncertain significance. Last evaluated: 2023-10-01. Review status: criteria provided, single submitter. Criteria: CeGaT Center For Human Genetics Tuebingen Variant Classification Criteria Version 2. Collection method: clinical testing. Allele origin: germline. Affected: yes. Observed: 1 variant allele.
Comment: PDYN: PM4, PM2:Supporting

NM_024411.5(PDYN):c.519_527dup (p.Gly176_Gly177insArgTyrGly)

Genes: PDYN (prodynorphin; minus strand), PDYN-AS1 (PDYN antisense RNA 1; plus strand). Cytogenetic location: 20p13.
Variant type: Duplication.
Coding change: c.519_527dup on transcript NM_024411.5 (MANE Select); coding-DNA positions 519 to 527, 9 bases duplicated (ACGCTATGG; older notation c.519_527dupACGCTATGG).
Protein change: p.Gly176_Gly177insArgTyrGly.
Molecular consequence: inframe insertion.
Genome position (GRCh38, 1-based): chr20:1,980,561-1,980,569, CCATAGCGT duplicated on the plus strand (ACGCTATGG on the coding strand, the reverse complement: PDYN is on the minus strand). VCF-style (leftmost placement, unchanged base first): chr20-1980560-C-CCCATAGCGT. GRCh37 (hg19) VCF-style: chr20-1961206-C-CCCATAGCGT.
Other names: c.519_527dup, p.Gly176_Gly177insArgTyrGly (NM_001190892.1, NM_001190898.3, NM_001190899.2 and 1 more transcripts).
Identifiers: ClinVar variation 2652139 (VCV002652139.24), dbSNP rs749294896, ClinGen allele CA9730282.